The following is an entry in ClinVar:

NM_004415.4(DSP):c.1976_1987del (p.Arg659_Asp662del)

Gene: DSP (desmoplakin; plus strand). Cytogenetic location: 6p24.3.
Variant type: Deletion.
Coding change: c.1976_1987del on transcript NM_004415.4 (MANE Select); coding-DNA positions 1976 to 1987, 12 bases deleted (GAGAAAATGACA).
Protein change: p.Arg659_Asp662del.
Molecular consequence: inframe deletion.
Genome position (GRCh38, 1-based): chr6:7,571,914-7,571,925, GAGAAAATGACA deleted; deleting any 12 consecutive bases within chr6:7,571,911-7,571,925 gives the same sequence; the c. name uses the placement nearest the transcript's 3' end. VCF-style (leftmost placement, unchanged base first): chr6-7571910-AACAGAGAAAATG-A. GRCh37 (hg19) VCF-style: chr6-7572143-AACAGAGAAAATG-A.
Other names: c.1976_1987del (LRG_423t1, NM_004415.2); c.1976_1987del, p.Arg659_Asp662del (NM_001008844.3, NM_001319034.2).
Identifiers: ClinVar variation 534292 (VCV000534292.15), dbSNP rs1554107128, ClinGen allele CA658796707.
Genomic context (GRCh38, chr6:7,571,910, plus strand): 5'-ACTGAAATCACTCATCATGGAACCTGCCAAGATGTCAACCATAATAAAGTAATTGAAACC[AACAGAGAAAATG>A]ACAAGCAAGAAACATGGATGCTGATGGAGCTGCAGAAGATTCGCAGGCAGATAGAGCACT-3'

ClinVar aggregate classification (germline): Uncertain significance. Review status: criteria provided, multiple submitters, no conflicts (2 of 4 stars). 3 submissions from 3 submitters: Uncertain significance (3). Last evaluated 2023-03-17.

Conditions:
Arrhythmogenic cardiomyopathy with wooly hair and keratoderma. Also called: PALMOPLANTAR KERATODERMA WITH LEFT VENTRICULAR CARDIOMYOPATHY AND WOOLLY HAIR; Carvajal syndrome; Dilated cardiomyopathy with woolly hair and keratoderma; Arrhythmogenic cardiomyopathy with woolly hair and keratoderma. Identifiers: Orphanet 65282, MedGen C1854063, MONDO:0011581, OMIM 605676.
Arrhythmogenic right ventricular dysplasia 8 (ARVD8). Also called: Arrhythmogenic Right Ventricular Dysplasia/Cardiomyopathy 8; ARRHYTHMOGENIC RIGHT VENTRICULAR DYSPLASIA, FAMILIAL, 8; ARRHYTHMOGENIC RIGHT VENTRICULAR CARDIOMYOPATHY 8. Identifiers: MedGen C1843896, MONDO:0011831, OMIM 607450.
Cardiomyopathy (CMYO). Also called: Cardiomyopathies. Identifiers: Orphanet 167848, MedGen C0878544, MONDO:0004994, HP:0001638. Inheritance: Various modes of inheritance.

Submissions (3):

GeneDx
Classification: Uncertain significance. Last evaluated: 2023-03-17. Review status: criteria provided, single submitter. Criteria: GeneDx Variant Classification Process June 2021. Collection method: clinical testing. Allele origin: germline. Affected: yes.
Comment: Not observed at significant frequency in large population cohorts (gnomAD); In-frame deletion of 4 amino acids in a non-repeat region; In silico analysis supports a deleterious effect on protein structure/function; Has not been previously published as pathogenic or benign to our knowledge

Color Diagnostics, LLC DBA Color Health
Classification: Uncertain significance for Cardiomyopathy. Last evaluated: 2019-07-11. Review status: criteria provided, single submitter. Criteria: ACMG Guidelines, 2015. Collection method: clinical testing. Allele origin: germline.
Comment: This variant causes an in-frame deletion of four amino acids of the DSP protein. To our knowledge, functional assays have not been performed for this variant. Computational splicing tools suggest that this variant may not impact RNA splicing. This variant has not been reported in individuals affected with cardiovascular disorders in the literature. This variant has not been identified in the general population by the Genome Aggregation Database (gnomAD). Available evidence is insufficient to determine the role of this variant in disease conclusively. Therefore, this variant is classified as a Variant of Uncertain Significance.

Labcorp Genetics (formerly Invitae), Labcorp
Classification: Uncertain significance for Arrhythmogenic cardiomyopathy with wooly hair and keratoderma; Arrhythmogenic right ventricular dysplasia 8. Last evaluated: 2019-02-14. Review status: criteria provided, single submitter. Criteria: Invitae Variant Classification Sherloc (09022015). Collection method: clinical testing. Allele origin: germline.
Comment: This variant, c.1976_1987delGAGAAAATGACA, results in the deletion of 4 amino acid(s) of the DSP protein (p.Arg659_Asp662del), but otherwise preserves the integrity of the reading frame. This variant is not present in population databases (ExAC no frequency). This variant has not been reported in the literature in individuals with DSP-related disease. Experimental studies and prediction algorithms are not available for this variant, and the functional significance of the deleted amino acids is currently unknown. In summary, the available evidence is currently insufficient to determine the role of this variant in disease. Therefore, it has been classified as a Variant of Uncertain Significance.